The following is an entry in ClinVar:

ClinVar aggregate classification (germline): Uncertain significance (1 of 4 stars; one submission).

Conditions:
Candidiasis, familial, 8 (CANDF8). Identifiers: Orphanet 1334, MedGen C3714992, MONDO:0014230, OMIM 615527.

Allele frequency attached by ClinVar (database versions not stated): ExAC 0.00001; gnomAD exomes 0.00001; gnomAD 0.00002; TOPMed 0.00002.
gnomAD v4.1: 11 of 1,614,050 alleles (0.00068%); highest among the groups gnomAD compares: African/African-American, 0.0053%; no homozygotes.

Submission:

Labcorp Genetics (formerly Invitae), Labcorp
Classification: Uncertain significance for Candidiasis, familial, 8. Last evaluated: 2021-08-26. Review status: criteria provided, single submitter. Criteria: Invitae Variant Classification Sherloc (09022015). Collection method: clinical testing. Allele origin: germline.
Comment: This sequence change replaces methionine with valine at codon 52 of the TRAF3IP2 protein (p.Met52Val). The methionine residue is weakly conserved and there is a small physicochemical difference between methionine and valine. This variant is present in population databases (rs779302845, ExAC 0.006%). This variant has not been reported in the literature in individuals affected with TRAF3IP2-related conditions. Algorithms developed to predict the effect of missense changes on protein structure and function output the following: SIFT: "Tolerated"; PolyPhen-2: "Benign"; Align-GVGD: "Class C0". The valine amino acid residue is found in multiple mammalian species, which suggests that this missense change does not adversely affect protein function. Algorithms developed to predict the effect of sequence changes on RNA splicing suggest that this variant may create or strengthen a splice site. In summary, the available evidence is currently insufficient to determine the role of this variant in disease. Therefore, it has been classified as a Variant of Uncertain Significance.

NM_147686.4(TRAF3IP2):c.154A>G (p.Met52Val)

Genes: TRAF3IP2 (TRAF3 interacting protein 2; minus strand), TRAF3IP2-AS1 (TRAF3IP2 antisense RNA 1; plus strand). Cytogenetic location: 6q21.
Variant type: single nucleotide variant.
Coding change: c.154A>G on transcript NM_147686.4 (MANE Select); coding-DNA position 154, A replaced by G.
Protein change: p.Met52Val; replaces methionine 52 with valine.
Molecular consequence: missense variant.
Genome position (GRCh38, 1-based): chr6:111,591,933, T>C on the plus strand (A>G on the coding strand, the complement: TRAF3IP2 is on the minus strand). VCF-style: chr6-111591933-T-C. GRCh37 (hg19) VCF-style: chr6-111913136-T-C.
Other names: c.154A>G, p.Met52Val (NM_001164281.3); c.181A>G, p.Met61Val (NM_147200.3); short protein forms M52V, M61V.
Identifiers: ClinVar variation 1507349 (VCV001507349.5), dbSNP rs779302845, ClinGen allele CA3963372.